The following is an entry in ClinVar:

ClinVar aggregate classification (germline): Conflicting classifications of pathogenicity. Review status: criteria provided, conflicting classifications (1 of 4 stars). 3 submissions from 3 submitters: Uncertain significance (2); Benign (1). Last evaluated 2025-07-14.

Conditions:
Heterotopia, periventricular, X-linked dominant (PVNH1). Also called: PERIVENTRICULAR NODULAR HETEROTOPIA 1; X-linked periventricular heterotopia; PERIVENTRICULAR NODULAR HETEROTOPIA 4; HETEROTOPIA, PERIVENTRICULAR, 1. Identifiers: Orphanet 2149, Orphanet 82004, MedGen C1848213, MONDO:0010233, OMIM 300049.
Oto-palato-digital syndrome, type II (OPD2). Also called: FACIOPALATOOSSEOUS SYNDROME; OPD II SYNDROME; Otopalatodigital Syndrome Type 2 (FLNA-OPD2); Otopalatodigital Syndrome, Type II. Identifiers: Orphanet 669, Orphanet 90652, MedGen C1844696, MONDO:0010571, OMIM 304120.
Frontometaphyseal dysplasia (FMD1). Identifiers: Orphanet 1826, MedGen C0265293, MONDO:0015942.
Melnick-Needles syndrome (MNS). Also called: MELNICK-NEEDLES OSTEODYSPLASTY; OSTEODYSPLASTY OF MELNICK AND NEEDLES; Melnick-Needles Syndrome (FLNA-MNS). Identifiers: Orphanet 2484, MedGen C0025237, MONDO:0010650, OMIM 309350.

Allele frequency attached by ClinVar (database versions not stated): ExAC 0.00001; gnomAD 0.00001 and 0.00002; gnomAD exomes 0.00001; TOPMed 0.00001.
gnomAD v4.1: 5 of 1,210,572 alleles (0.00041%); highest among the groups gnomAD compares: East Asian, 0.003%; no homozygotes.

Submissions (3):

Labcorp Genetics (formerly Invitae), Labcorp
Classification: Benign for Oto-palato-digital syndrome, type II; Heterotopia, periventricular, X-linked dominant; Frontometaphyseal dysplasia; Melnick-Needles syndrome. Last evaluated: 2025-07-14. Review status: criteria provided, single submitter. Criteria: Invitae Variant Classification Sherloc (09022015). Collection method: clinical testing. Allele origin: germline.

GeneDx
Classification: Uncertain significance. Last evaluated: 2024-03-28. Review status: criteria provided, single submitter. Criteria: GeneDx Variant Classification Process June 2021. Collection method: clinical testing. Allele origin: germline. Affected: yes.
Comment: In silico analysis supports that this missense variant has a deleterious effect on protein structure/function; Has not been previously published as pathogenic or benign to our knowledge

Women's Health and Genetics/Laboratory Corporation of America, LabCorp
Classification: Uncertain significance. Last evaluated: 2023-08-24. Review status: criteria provided, single submitter. Criteria: LabCorp Variant Classification Summary - May 2015. Collection method: clinical testing. Allele origin: germline.

NM_001110556.2(FLNA):c.6415C>T (p.Arg2139Trp)

Gene: FLNA (filamin A; minus strand). Cytogenetic location: Xq28.
Variant type: single nucleotide variant.
Coding change: c.6415C>T on transcript NM_001110556.2 (MANE Select); coding-DNA position 6415, C replaced by T.
Protein change: p.Arg2139Trp; replaces arginine 2139 with tryptophan.
Molecular consequence: missense variant.
Genome position (GRCh38, 1-based): chrX:154,352,640, G>A on the plus strand (C>T on the coding strand, the complement: FLNA is on the minus strand). VCF-style: chrX-154352640-G-A. GRCh37 (hg19) VCF-style: chrX-153581008-G-A.
Other names: c.6391C>T, p.Arg2131Trp (NM_001456.4); short protein forms R2131W, R2139W.
Identifiers: ClinVar variation 465012 (VCV000465012.11), dbSNP rs782761341, ClinGen allele CA10560091.